The following is an entry in ClinVar:

ClinVar aggregate classification (germline): Uncertain significance (1 of 4 stars; one submission).

Conditions:
Charcot-Marie-Tooth Neuropathy X. Identifiers: MedGen CN118851.

Submission:

Labcorp Genetics (formerly Invitae), Labcorp
Classification: Uncertain significance for Charcot-Marie-Tooth Neuropathy X. Last evaluated: 2024-01-21. Review status: criteria provided, single submitter. Criteria: Invitae Variant Classification Sherloc (09022015). Collection method: clinical testing. Allele origin: germline.
Comment: This sequence change replaces isoleucine, which is neutral and non-polar, with leucine, which is neutral and non-polar, at codon 82 of the GJB1 protein (p.Ile82Leu). This variant is not present in population databases (gnomAD no frequency). This missense change has been observed in individual(s) with clinical features of Charcot-Marie-Tooth disease (Invitae). It has also been observed to segregate with disease in related individuals. Advanced modeling of protein sequence and biophysical properties (such as structural, functional, and spatial information, amino acid conservation, physicochemical variation, residue mobility, and thermodynamic stability) performed at Invitae indicates that this missense variant is not expected to disrupt GJB1 protein function with a negative predictive value of 80%. In summary, the available evidence is currently insufficient to determine the role of this variant in disease. Therefore, it has been classified as a Variant of Uncertain Significance.

NM_000166.6(GJB1):c.244A>C (p.Ile82Leu)

Gene: GJB1 (gap junction protein beta 1; plus strand). Cytogenetic location: Xq13.1.
Variant type: single nucleotide variant.
Coding change: c.244A>C on transcript NM_000166.6 (MANE Select); coding-DNA position 244, A replaced by C.
Protein change: p.Ile82Leu; replaces isoleucine 82 with leucine.
Molecular consequence: missense variant.
Genome position (GRCh38, 1-based): chrX:71,223,951, A>C. VCF-style: chrX-71223951-A-C. GRCh37 (hg19) VCF-style: chrX-70443801-A-C.
Other names: c.244A>C, p.Ile82Leu (NM_001097642.3); short protein forms I82L.
Identifiers: ClinVar variation 2751102 (VCV002751102.3), dbSNP rs1602348995, ClinGen allele CA413501638.